The following is an entry in ClinVar:

ClinVar aggregate classification (germline): Pathogenic (1 of 4 stars; one submission).

Conditions:
Dyskeratosis congenita, autosomal dominant 2. Identifiers: MedGen C3151443, MONDO:0013521, OMIM 613989.
Idiopathic Pulmonary Fibrosis. Also called: Idiopathic fibrosing alveolitis, chronic form; idiopathic fibrosing alveolitis. Identifiers: Orphanet 2032, MedGen C1800706, MeSH D054990, MONDO:0800504.

Allele frequency attached by ClinVar (database versions not stated): gnomAD exomes below 0.00001; TOPMed 0.00001.
gnomAD v4.1: 1 of 1,613,034 alleles (0.000062%); highest among the groups gnomAD compares: Non-Finnish European, 0.000085%; no homozygotes.

Submission:

Labcorp Genetics (formerly Invitae), Labcorp
Classification: Pathogenic for Dyskeratosis congenita, autosomal dominant 2; Idiopathic Pulmonary Fibrosis. Last evaluated: 2023-09-23. Review status: criteria provided, single submitter. Criteria: Invitae Variant Classification Sherloc (09022015). Collection method: clinical testing. Allele origin: germline.
Comment: This variant is not present in population databases (gnomAD no frequency). This variant has not been reported in the literature in individuals affected with TERT-related conditions. ClinVar contains an entry for this variant (Variation ID: 937831). For these reasons, this variant has been classified as Pathogenic. This sequence change creates a premature translational stop signal (p.Gln1071*) in the TERT gene. It is expected to result in an absent or disrupted protein product. Loss-of-function variants in TERT are known to be pathogenic (PMID: 16247010, 17460043).

Literature cited by the submitters: PubMed 16247010; PubMed 17460043.

NM_198253.3(TERT):c.3211C>T (p.Gln1071Ter)

Gene: TERT (telomerase reverse transcriptase; minus strand). Cytogenetic location: 5p15.33.
Variant type: single nucleotide variant.
Coding change: c.3211C>T on transcript NM_198253.3 (MANE Select); coding-DNA position 3211, C replaced by T.
Protein change: p.Gln1071Ter; replaces glutamine 1071 with a stop codon.
Molecular consequence: nonsense. On other transcripts: non-coding transcript variant (2).
Genome position (GRCh38, 1-based): chr5:1,254,452, G>A on the plus strand (C>T on the coding strand, the complement: TERT is on the minus strand). VCF-style: chr5-1254452-G-A. GRCh37 (hg19) VCF-style: chr5-1254567-G-A.
Other names: c.3022C>T, p.Gln1008Ter (NM_001193376.3); short protein forms Q1008*, Q1071*.
Identifiers: ClinVar variation 937831 (VCV000937831.8), dbSNP rs1747568641, ClinGen allele CA359067406.
Genomic context (GRCh38, chr5:1,254,452, plus strand): 5'-GCACGTAGGTGACACGGTGTCGAGTCAGCTTGAGCAGGAATGCTTGGTGGCACAGCCACT[G>A]CACGGCCTCGGAGGGCAGAGGGCCGGCGGCGCCCTTGGCCCCCAGCGACATCCCTGGGGG-3'